The following is an entry in ClinVar:

NM_000094.4(COL7A1):c.8824G>T (p.Ala2942Ser)

Gene: COL7A1 (collagen type VII alpha 1 chain; minus strand). Cytogenetic location: 3p21.31.
Variant type: single nucleotide variant.
Coding change: c.8824G>T on transcript NM_000094.4 (MANE Select); coding-DNA position 8824, G replaced by T.
Protein change: p.Ala2942Ser; replaces alanine 2942 with serine.
Molecular consequence: missense variant.
Genome position (GRCh38, 1-based): chr3:48,564,417, C>A on the plus strand (G>T on the coding strand, the complement: COL7A1 is on the minus strand). VCF-style: chr3-48564417-C-A. GRCh37 (hg19) VCF-style: chr3-48601850-C-A.
Other names: short protein forms A2942S.
Identifiers: ClinVar variation 1415311 (VCV001415311.6), dbSNP rs1441002372, ClinGen allele CA352631084.

ClinVar aggregate classification (germline): Uncertain significance (1 of 4 stars; one submission).

Allele frequency attached by ClinVar (database versions not stated): TOPMed below 0.00001; gnomAD 0.00001.

Submission:

Labcorp Genetics (formerly Invitae), Labcorp
Classification: Uncertain significance. Last evaluated: 2021-10-28. Review status: criteria provided, single submitter. Criteria: Invitae Variant Classification Sherloc (09022015). Collection method: clinical testing. Allele origin: germline.
Comment: This sequence change replaces alanine, which is neutral and non-polar, with serine, which is neutral and polar, at codon 2942 of the COL7A1 protein (p.Ala2942Ser). In summary, the available evidence is currently insufficient to determine the role of this variant in disease. Therefore, it has been classified as a Variant of Uncertain Significance. Advanced modeling of protein sequence and biophysical properties (such as structural, functional, and spatial information, amino acid conservation, physicochemical variation, residue mobility, and thermodynamic stability) performed at Invitae indicates that this missense variant is not expected to disrupt COL7A1 protein function. This variant has not been reported in the literature in individuals affected with COL7A1-related conditions. This variant is not present in population databases (gnomAD no frequency).